The following is an entry in ClinVar:

NM_001844.5(COL2A1):c.1122+2T>C

Gene: COL2A1 (collagen type II alpha 1 chain; minus strand). Cytogenetic location: 12q13.11.
Variant type: single nucleotide variant.
Coding change: c.1122+2T>C on transcript NM_001844.5 (MANE Select); the canonical splice donor site of the intron after coding-DNA position 1122, T replaced by C.
Molecular consequence: splice donor variant.
Genome position (GRCh38, 1-based): chr12:47,989,226, A>G on the plus strand (T>C on the coding strand, the complement: COL2A1 is on the minus strand). VCF-style: chr12-47989226-A-G. GRCh37 (hg19) VCF-style: chr12-48383009-A-G.
Other names: c.915+2T>C (NM_033150.3).
Identifiers: ClinVar variation 1328523 (VCV001328523.7), dbSNP rs1939584878, ClinGen allele CA384555212.

ClinVar aggregate classification (germline): Conflicting classifications of pathogenicity. Review status: criteria provided, conflicting classifications (1 of 4 stars). 3 submissions from 3 submitters: Likely pathogenic (2); Uncertain significance (1). Last evaluated 2024-08-13.

Conditions:
Achondrogenesis type II (ACG2). Also called: ACHONDROGENESIS, LANGER-SALDINO TYPE; CHONDROGENESIS IMPERFECTA. Identifiers: Orphanet 932, Orphanet 93296, MedGen C0220685, MONDO:0008702, OMIM 200610.
Kniest dysplasia. Identifiers: Orphanet 485, MedGen C0265279, MONDO:0007987, OMIM 156550.
Legg-Calve-Perthes disease. Also called: Avascular necrosis of the capital femoral epiphysis; Osteochondritis deformans; Coxa plana; PERTHES DISEASE. Identifiers: Orphanet 2380, MedGen C1442965, MONDO:0007885, OMIM 150600, HP:0005743.
Spondyloepiphyseal dysplasia with metatarsal shortening. Also called: CZECH DYSPLASIA, METATARSAL TYPE; SPONDYLOEPIPHYSEAL DYSPLASIA WITH PRECOCIOUS OSTEOARTHRITIS; Pseudorheumatoid dysplasia progressive, with hypoplastic toes. Identifiers: Orphanet 137678, MedGen C1836683, MONDO:0012206, OMIM 609162.
Spondyloepiphyseal dysplasia, Stanescu type. Also called: SED, STANESCU TYPE; SPONDYLOEPIMETAPHYSEAL DYSPLASIA, STANESCU TYPE. Identifiers: Orphanet 459051, MedGen C4225273, MONDO:0014701, OMIM 616583.
Spondyloperipheral dysplasia. Also called: Spondyloperipheral dysplasia-short ulna syndrome; SPONDYLOPERIPHERAL DYSPLASIA WITH SHORT ULNA. Identifiers: Orphanet 1856, MedGen C0796173, MONDO:0010078, OMIM 271700.
Stickler syndrome type 1 (STL1). Also called: COL2A1-Related Stickler Syndrome; ARTHROOPHTHALMOPATHY, HEREDITARY PROGRESSIVE; STICKLER SYNDROME, MEMBRANOUS VITREOUS TYPE; STICKLER SYNDROME, VITREOUS TYPE 1. Identifiers: Orphanet 828, Orphanet 90653, MedGen C2020284, MONDO:0007160, OMIM 108300.
Spondyloepimetaphyseal dysplasia, Strudwick type (SEMDSTWK). Also called: DAPPLED METAPHYSIS SYNDROME; STRUDWICK SYNDROME. Identifiers: Orphanet 93346, MedGen C0700635, MONDO:0008476, OMIM 184250.
Platyspondylic dysplasia, Torrance type (PLSDT). Identifiers: Orphanet 85166, MedGen C1835437, MONDO:0007895, OMIM 151210.
Spondyloepiphyseal dysplasia congenita (SEDC). Also called: SED CONGENITA; SPONDYLOEPIPHYSEAL DYSPLASIA, CONGENITAL TYPE. Identifiers: Orphanet 94068, MedGen C2745959, MONDO:0008471, OMIM 183900.
COL2A1-related disorder. Also called: COL2A1-related condition; COL2A1-related disorders.

Submissions (3):

Labcorp Genetics (formerly Invitae), Labcorp
Classification: Likely pathogenic. Last evaluated: 2024-08-13. Review status: criteria provided, single submitter. Criteria: Invitae Variant Classification Sherloc (09022015). Collection method: clinical testing. Allele origin: germline.
Comment: This sequence change affects a donor splice site in intron 18 of the COL2A1 gene. It is expected to disrupt RNA splicing. Variants that disrupt the donor or acceptor splice site typically lead to a loss of protein function (PMID: 16199547), and loss-of-function variants in COL2A1 are known to be pathogenic (PMID: 20179744). This variant is not present in population databases (gnomAD no frequency). This variant has not been reported in the literature in individuals affected with COL2A1-related conditions. ClinVar contains an entry for this variant (Variation ID: 1328523). Algorithms developed to predict the effect of sequence changes on RNA splicing suggest that this variant may disrupt the consensus splice site. In summary, the currently available evidence indicates that the variant is pathogenic, but additional data are needed to prove that conclusively. Therefore, this variant has been classified as Likely Pathogenic.

New York Genome Center
Classification: Uncertain significance for Achondrogenesis type II; Kniest dysplasia; Legg-Calve-Perthes disease; Platyspondylic dysplasia, Torrance type; Spondyloepiphyseal dysplasia congenita; Spondyloepimetaphyseal dysplasia, Strudwick type; Spondyloperipheral dysplasia; Spondyloepiphyseal dysplasia, Stanescu type; Stickler syndrome type 1; Spondyloepiphyseal dysplasia with metatarsal shortening. Last evaluated: 2024-01-12. Review status: criteria provided, single submitter. Criteria: NYGC Assertion Criteria 2020. Collection method: clinical testing. Allele origin: inherited. Affected: yes. Observed: 1 variant allele, 1 heterozygote.
Comment: The inherited c.1122+2T>C variant in COL2A1 gene has not previously been reported in the literature and it has been deposited in ClinVar [ClinVar ID:1328523] as Likely Pathogenic by a single submitter without affected status. The c.1122+2T>C variant in COL2A1 gene is absent from population databases (gnomADv4.0.0, TOPMed Freeze 10, All of Us), suggesting it is not a common benign variant in the populations represented in those datasets. The c.1122+2T>C variant in COL2A1 is located in the canonical splice donor site preceding exon 18 of this 53-exon gene and is predicted to affect mRNA splicing by causing exon skipping or in-frame intron retention. Other variants (c.1122+1G>C and c.1122+2T>A) affecting the same canonical splice donor site have been reported in the literature [PMID:23188137] and ClinVar [ClinVar ID: 623297 and # 845998, respectively] in individuals with COL2A1-related disorders. Based on available evidence this inherited heterozygous c.1122+2T>C variant identified in COL2A1 is classified as Variant of Uncertain Significance.

Illumina Laboratory Services, Illumina
Classification: Likely pathogenic for COL2A1-related disorders. Last evaluated: 2021-05-11. Review status: criteria provided, single submitter. Criteria: ICSLVariantClassificationCriteria RUGD 01 April 2020. Collection method: clinical testing. Allele origin: unknown.
Comment: The COL2A1 c.1122+2T>C variant occurs in a canonical splice site (donor) and is therefore predicted to disrupt the normal gene product. A literature search was conducted for the gene and cDNA change. No publications were identified through this search. The c.1122+2T>C variant is not reported in a the Genome Aggregation Database (version 2.1.1) in a region of good sequencing coverage, indicating it is rare. Based on the limited evidence, the c.1122+2T>C variant is classified as likely pathogenic for COL2A1-related disorders.

Literature cited by the submitters: PubMed 16199547 (cited by Labcorp Genetics (formerly Invitae), Labcorp); PubMed 20179744 (cited by Labcorp Genetics (formerly Invitae), Labcorp).